The following is an entry in ClinVar:

NM_001009944.3(PKD1):c.3456C>G (p.Pro1152=)

Gene: PKD1 (polycystin 1, transient receptor potential channel interacting; minus strand). Cytogenetic location: 16p13.3.
Variant type: single nucleotide variant.
Coding change: c.3456C>G on transcript NM_001009944.3 (MANE Select); coding-DNA position 3456, C replaced by G.
Protein change: p.Pro1152=; no amino-acid change (proline 1152 retained).
Molecular consequence: synonymous variant.
Genome position (GRCh38, 1-based): chr16:2,111,711, G>C on the plus strand (C>G on the coding strand, the complement: PKD1 is on the minus strand). VCF-style: chr16-2111711-G-C. GRCh37 (hg19) VCF-style: chr16-2161712-G-C.
Other names: c.3456C>G, p.Pro1152= (NM_000296.4).
Identifiers: ClinVar variation 3032832 (VCV003032832.2), dbSNP rs2092510939, ClinGen allele CA493049950.
Genomic context (GRCh38, chr16:2,111,711, plus strand): 5'-CTGGGTCAGGACAGGGGAGCCGTCCCCGAAGTCCCACGTGTAAAGAACACCCCCAGGCGA[G>C]GGCAGCGGGTGCGGGTAGAAGGTGACGGGCCGGCCGGCCACCAGGACGCCGTCACTCACA-3'
Protein context (NP_001009944.3, residues 1142-1162): RPVTFYPHPL[Pro1152=]SPGGVLYTWD

ClinVar aggregate classification (germline): Likely benign (0 of 4 stars; one submission).

Conditions:
PKD1-related disorder. Also called: PKD1-related condition.

gnomAD v4.1: 11 of 1,588,786 alleles (0.00069%); highest among the groups gnomAD compares: Non-Finnish European, 0.00094%; no homozygotes.

Submission:

PreventionGenetics, part of Exact Sciences
Classification: Likely benign for PKD1-related condition. Last evaluated: 2022-10-07. Review status: no assertion criteria provided. Collection method: clinical testing. Allele origin: germline.
Comment: This variant is classified as likely benign based on ACMG/AMP sequence variant interpretation guidelines (Richards et al. 2015 PMID: 25741868, with internal and published modifications).